The following is an entry in ClinVar:

NM_023110.3(FGFR1):c.449C>A (p.Pro150His)

Gene: FGFR1 (fibroblast growth factor receptor 1; minus strand). Cytogenetic location: 8p11.23.
Variant type: single nucleotide variant.
Coding change: c.449C>A on transcript NM_023110.3 (MANE Select); coding-DNA position 449, C replaced by A.
Protein change: p.Pro150His; replaces proline 150 with histidine.
Molecular consequence: missense variant.
Genome position (GRCh38, 1-based): chr8:38,428,093, G>T on the plus strand (C>A on the coding strand, the complement: FGFR1 is on the minus strand). VCF-style: chr8-38428093-G-T. GRCh37 (hg19) VCF-style: chr8-38285611-G-T.
Other names: c.449C>A, p.Pro150His (NM_000604.2, NM_001174063.2); c.425C>A, p.Pro142His (NM_001174064.2); c.443C>A, p.Pro148His (NM_001174065.2, NM_001354367.2, NM_001354369.2 and 2 more transcripts); c.182C>A, p.Pro61His (NM_001174066.2, NM_023105.3); c.542C>A, p.Pro181His (NM_001174067.2); c.176C>A, p.Pro59His (NM_001354368.2, NM_001354370.2, NM_023106.3); short protein forms P142H, P148H, P150H, P181H, P59H, P61H.
Identifiers: ClinVar variation 2580629 (VCV002580629.1), dbSNP rs751194353, ClinGen allele CA4718719.

ClinVar aggregate classification (germline): Uncertain significance (1 of 4 stars; one submission).

Allele frequency attached by ClinVar (database versions not stated): gnomAD exomes below 0.00001; ExAC 0.00001.
gnomAD v4.1: 1 of 1,614,136 alleles (0.000062%); highest among the groups gnomAD compares: Admixed American, 0.0017%; no homozygotes.

Submission:

GeneDx
Classification: Uncertain significance. Last evaluated: 2023-03-22. Review status: criteria provided, single submitter. Criteria: GeneDx Variant Classification Process June 2021. Collection method: clinical testing. Allele origin: germline. Affected: yes.
Comment: Not observed at significant frequency in large population cohorts (gnomAD); In silico analysis supports that this missense variant does not alter protein structure/function; Has not been previously published as pathogenic or benign to our knowledge